The following is an entry in ClinVar:

ClinVar aggregate classification (germline): Uncertain significance (1 of 4 stars; one submission).

Conditions:
Hajdu-Cheney syndrome (HJCYS). Also called: ACROOSTEOLYSIS WITH OSTEOPOROSIS AND CHANGES IN SKULL AND MANDIBLE; SERPENTINE FIBULA-POLYCYSTIC KIDNEY SYNDROME; Acroosteolysis dominant type. Identifiers: Orphanet 955, MedGen C0917715, MONDO:0007057, OMIM 102500.

gnomAD v4.1: 5 of 1,613,308 alleles (0.00031%); highest among the groups gnomAD compares: Non-Finnish European, 0.00042%; no homozygotes.

Submission:

Labcorp Genetics (formerly Invitae), Labcorp
Classification: Uncertain significance for Hajdu-Cheney syndrome. Last evaluated: 2025-06-04. Review status: criteria provided, single submitter. Criteria: Invitae Variant Classification Sherloc (09022015). Collection method: clinical testing. Allele origin: germline.
Comment: This sequence change replaces threonine, which is neutral and polar, with isoleucine, which is neutral and non-polar, at codon 1676 of the NOTCH2 protein (p.Thr1676Ile). This variant is not present in population databases (gnomAD no frequency). This variant has not been reported in the literature in individuals affected with NOTCH2-related conditions. Invitae Evidence Modeling of protein sequence and biophysical properties (such as structural, functional, and spatial information, amino acid conservation, physicochemical variation, residue mobility, and thermodynamic stability) indicates that this missense variant is not expected to disrupt NOTCH2 protein function with a negative predictive value of 80%. In summary, the available evidence is currently insufficient to determine the role of this variant in disease. Therefore, it has been classified as a Variant of Uncertain Significance.

NM_024408.4(NOTCH2):c.5027C>T (p.Thr1676Ile)

Gene: NOTCH2 (notch receptor 2; minus strand). Cytogenetic location: 1p12.
Variant type: single nucleotide variant.
Coding change: c.5027C>T on transcript NM_024408.4 (MANE Select); coding-DNA position 5027, C replaced by T.
Protein change: p.Thr1676Ile; replaces threonine 1676 with isoleucine.
Molecular consequence: missense variant.
Genome position (GRCh38, 1-based): chr1:119,922,422, G>A on the plus strand (C>T on the coding strand, the complement: NOTCH2 is on the minus strand). VCF-style: chr1-119922422-G-A. GRCh37 (hg19) VCF-style: chr1-120465045-G-A.
Other names: short protein forms T1676I.
Identifiers: ClinVar variation 4749023 (VCV004749023.1).
Genomic context (GRCh38, chr1:119,922,422, plus strand): 5'-CCCAGCAGAATAATAAACAGAATGATGACAACAGCAACAGCAAGGAGATAGAGGAGCTGA[G>A]TGCGTTCTGGAGTCAGGGATTCACCTGAAAGTCCACAGAGACAGGGAAAGTGCTGAATAA-3'
Protein context (NP_077719.2, residues 1666-1686): VVSESLTPER[Thr1676Ile]QLLYLLAVAV